The following is an entry in ClinVar:

ClinVar aggregate classification (germline): Likely pathogenic (1 of 4 stars; one submission).

Conditions:
Breast-ovarian cancer, familial, susceptibility to, 4. Identifiers: Orphanet 145, MedGen C3280345, MONDO:0013669, OMIM 614291.

Submission:

Labcorp Genetics (formerly Invitae), Labcorp
Classification: Likely pathogenic for Breast-ovarian cancer, familial, susceptibility to, 4. Last evaluated: 2017-03-16. Review status: criteria provided, single submitter. Criteria: Invitae Variant Classification Sherloc (09022015). Collection method: clinical testing. Allele origin: germline.
Comment: This sequence change affects a donor splice site in intron 2 of the RAD51D gene. It is expected to disrupt RNA splicing and likely results in an absent or disrupted protein product. This variant has not been reported in the literature in individuals with a RAD51D-related disease. In summary, donor and acceptor splice site variants are typically loss-of-function (PMID: 16199547), and loss-of-function variants in RAD51D are known to be pathogenic (PMID: 21822267). However, without additional functional and/or genetic data, this variant has been classified as Likely Pathogenic.

Literature cited by the submitters: PubMed 16199547; PubMed 21822267.

NM_002878.4(RAD51D):c.144+1_144+11delinsCC

Genes: RAD51D (RAD51 paralog D; minus strand), RAD51L3-RFFL (RAD51L3-RFFL readthrough; minus strand). Cytogenetic location: 17q12.
Variant type: Indel.
Coding change: c.144+1_144+11delinsCC on transcript NM_002878.4 (MANE Select); the canonical splice donor site of the intron after coding-DNA position 144 through 11 bases into the intron after coding-DNA position 144, GTGAGCTCCTG replaced by CC.
Molecular consequence: splice donor variant.
Genome position (GRCh38, 1-based): chr17:35,119,100-35,119,110, CAGGAGCTCAC replaced by GG on the plus strand (GTGAGCTCCTG replaced by CC on the coding strand, the reverse complement: RAD51D is on the minus strand). VCF-style: chr17-35119100-CAGGAGCTCAC-GG. GRCh37 (hg19) VCF-style: chr17-33446119-CAGGAGCTCAC-GG.
Other names: c.144+1_144+11delinsCC (NM_133629.3, NM_001142571.2).
Identifiers: ClinVar variation 472588 (VCV000472588.5), dbSNP rs1555570397, ClinGen allele CA658658614.